The following is an entry in ClinVar:

ClinVar aggregate classification (germline): Pathogenic. Review status: criteria provided, multiple submitters, no conflicts (2 of 4 stars). 6 submissions from 6 submitters: Pathogenic (5). 1 of the submissions does not count toward it. Last evaluated 2025-11-13.

Conditions:
Congenital disorder of glycosylation (CDG). Also called: Congenital disorders of glycosylation; Carbohydrate-deficient glycoprotein syndrome. Identifiers: Orphanet 137, MedGen C0282577, MONDO:0015286.
ALG1-congenital disorder of glycosylation. Also called: CONGENITAL DISORDER OF GLYCOSYLATION, TYPE Ik; CDG Ik; ALG1-CDG. Identifiers: Orphanet 79327, MedGen C2931005, MONDO:0012052, OMIM 608540.
Inborn genetic diseases. Identifiers: MedGen C0950123, MeSH D030342.

Allele frequency attached by ClinVar (database versions not stated): gnomAD 0.00001; gnomAD exomes 0.00001; TOPMed 0.00003.
gnomAD v4.1: 15 of 1,596,316 alleles (0.00094%); highest among the groups gnomAD compares: Admixed American, 0.0033%; no homozygotes.

Submissions (6):

Victorian Clinical Genetics Services, Murdoch Childrens Research Institute
Classification: Pathogenic for ALG1-congenital disorder of glycosylation. Last evaluated: 2025-11-13. Review status: criteria provided, single submitter. Criteria: ACMG Guidelines, 2015. Collection method: clinical testing. Allele origin: germline. Affected: yes.
Comment: This variant is classified as Pathogenic. Evidence in support of pathogenic classification: Variant is present in gnomAD (v2) <0.01 for a recessive condition (2 heterozygotes, 0 homozygotes); This variant has strong previous evidence of pathogenicity in unrelated individuals. This variant is pathogenic/likely pathogenic in ClinVar, and has been reported in a compound heterozygous state in multiple individuals with congenital disorders of glycosylation (PMIDs: 26931382, 34567092, 24157261, ClinVar); This variant has moderate functional evidence supporting abnormal protein function. This variant caused reduced growth and the loss of ability to complement the temperature sensitive glycosylation of ALG1-deficient yeast cells (PMID: 24157261); Strong phenotype match for this individual. Additional information: Variant is predicted to result in a missense amino acid change from arginine to tryptophan; This variant is heterozygous; This gene is associated with autosomal recessive disease; An alternative amino acid change at the same position has been observed in gnomAD (v2) (4 heterozygotes, 0 homozygotes); No comparable missense variants have previous evidence for pathogenicity; Variant is located in the annotated glycosyl transferases group 1 domain (DECIPHER); Missense variant with conflicting in silico predictions and uninformative conservation; Loss of function is a known mechanism of disease in this gene and is associated with type Ik congenital disorder of glycosylation (MIM#608540); Heterozygous variant detected in trans with a LIKELY PATHOGENIC heterozygous variant (NM_019109.5(ALG1):c.1163C>T; p.(Pro388Leu)) in a recessive disease.

Labcorp Genetics (formerly Invitae), Labcorp
Classification: Pathogenic for ALG1-congenital disorder of glycosylation. Last evaluated: 2025-08-21. Review status: criteria provided, single submitter. Criteria: Invitae Variant Classification Sherloc (09022015). Collection method: clinical testing. Allele origin: germline.
Comment: This sequence change replaces arginine, which is basic and polar, with tryptophan, which is neutral and slightly polar, at codon 438 of the ALG1 protein (p.Arg438Trp). The frequency data for this variant in the population databases is considered unreliable, as metrics indicate poor data quality at this position in the gnomAD database. This missense change has been observed in individual(s) with clinical features of ALG1-CDG (PMID: 20679665, 24157261, 26931382). In at least one individual the data is consistent with being in trans (on the opposite chromosome) from a pathogenic variant. ClinVar contains an entry for this variant (Variation ID: 690315). Invitae Evidence Modeling of protein sequence and biophysical properties (such as structural, functional, and spatial information, amino acid conservation, physicochemical variation, residue mobility, and thermodynamic stability) indicates that this missense variant is expected to disrupt ALG1 protein function with a positive predictive value of 80%. Experimental studies have shown that this missense change affects ALG1 function (PMID: 24157261). For these reasons, this variant has been classified as Pathogenic.

Ambry Genetics
Classification: Pathogenic for Inborn genetic diseases. Last evaluated: 2025-05-28. Review status: criteria provided, single submitter. Criteria: Ambry Variant Classification Scheme 2023. Collection method: clinical testing. Allele origin: germline.
Comment: The c.1312C>T (p.R438W) alteration is located in exon 13 (coding exon 13) of the ALG1 gene. This alteration results from a C to T substitution at nucleotide position 1312, causing the arginine (R) at amino acid position 438 to be replaced by a tryptophan (W). Based on data from gnomAD, the T allele has an overall frequency of 0.001% (2/232592) total alleles studied. The highest observed frequency was 0.006% (2/34360) of Latino alleles. This variant has been identified in the homozygous state and/or in conjunction with other ALG1 variant(s) in individual(s) with features consistent with ALG1-related congenital disorder of glycosylation (Dupr&eacute;, 2010; Rohlfing, 2014; Ng, 2016; Gonz&aacute;lez-Dom&iacute;nguez, 2021; Ambry internal data). This amino acid position is well conserved in available vertebrate species. In multiple assays testing ALG1 function, this variant showed functionally abnormal results (Rohlfing, 2014; Ng, 2016). This alteration is predicted to be deleterious by in silico analysis. Based on the available evidence, this alteration is classified as pathogenic.

Women's Health and Genetics/Laboratory Corporation of America, LabCorp
Classification: Pathogenic for ALG1-congenital disorder of glycosylation. Last evaluated: 2022-05-13. Review status: criteria provided, single submitter. Criteria: LabCorp Variant Classification Summary - May 2015. Collection method: clinical testing. Allele origin: germline.
Comment: Variant summary: ALG1 c.1312C>T (p.Arg438Trp) results in a non-conservative amino acid change located in the Glycosyl transferase, family 1 domain (IPR001296) of the encoded protein sequence. Three of five in-silico tools predict a damaging effect of the variant on protein function. The variant allele was found at a frequency of 8.6e-06 in 232592 control chromosomes. c.1312C>T has been reported in the literature as a compound heterozygous genotype in multiple individuals affected with Congenital Disorder Of Glycosylation Type 1K (example, Dupre_2010, Rohlfing_2014, Gonzalez-Dominguez_2021). These data indicate that the variant is likely to be associated with disease. At least one publication reports experimental evidence evaluating an impact on protein function (Rohlfing_2014). The most pronounced variant effect results in loss of ability to complement the temperature sensitive glycosylation and growth phenotype of ALG1-deficient yeast cells (PRY 56). Two clinical diagnostic laboratories have submitted clinical-significance assessments for this variant to ClinVar after 2014 without evidence for independent evaluation. All laboratories classified the variant as pathogenic/likely pathogenic. Based on the evidence outlined above, the variant was classified as pathogenic.

Genetics and Genomic Medicine Centre, NeuroGen Healthcare, NeuroGen Healthcare
Classification: Pathogenic for ALG1-congenital disorder of glycosylation. Last evaluated: 2020-02-25. Review status: criteria provided, single submitter. Criteria: Submitter's publication. Collection method: clinical testing. Allele origin: unknown. Affected: no.

University of Washington Center for Mendelian Genomics, University of Washington
Classification: Likely pathogenic for Congenital disorder of glycosylation. Last evaluated: 2017-05-25. Review status: no assertion criteria provided. Collection method: research. Allele origin: unknown. Affected: yes. Not counted in ClinVar's aggregate classification.

Literature cited by the submitters: PubMed 34567092 (cited by 3 submitters); PubMed 24157261 (cited by 4 submitters); PubMed 26931382 (cited by 4 submitters); PubMed 20679665 (cited by 3 submitters).

NM_019109.5(ALG1):c.1312C>T (p.Arg438Trp)

Genes: EEF2KMT (eukaryotic elongation factor 2 lysine methyltransferase; minus strand), ALG1 (ALG1 chitobiosyldiphosphodolichol beta-mannosyltransferase; plus strand). Cytogenetic location: 16p13.3.
Variant type: single nucleotide variant.
Coding change: c.1312C>T on transcript NM_019109.5 (MANE Select); coding-DNA position 1312, C replaced by T.
Protein change: p.Arg438Trp; replaces arginine 438 with tryptophan.
Molecular consequence: missense variant. On other transcripts: 3 prime UTR variant (3).
Genome position (GRCh38, 1-based): chr16:5,084,798, C>T. VCF-style: chr16-5084798-C-T. GRCh37 (hg19) VCF-style: chr16-5134799-C-T.
Other names: c.*834G>A (NM_001289029.2, NM_201400.4, NM_201598.4); c.979C>T, p.Arg327Trp (NM_001330504.2); short protein forms R327W, R438W.
Identifiers: ClinVar variation 690315 (VCV000690315.14), dbSNP rs16835020, ClinGen allele CA277165747.